The following is an entry in ClinVar:

ClinVar aggregate classification (germline): Likely pathogenic (1 of 4 stars; one submission).

Conditions:
Rienhoff syndrome. Also called: LOEYS-DIETZ SYNDROME 5. Identifiers: MedGen C3810012, MONDO:0014262, OMIM 615582.

Submission:

Labcorp Genetics (formerly Invitae), Labcorp
Classification: Likely pathogenic for Rienhoff syndrome. Last evaluated: 2023-01-02. Review status: criteria provided, single submitter. Criteria: Invitae Variant Classification Sherloc (09022015). Collection method: clinical testing. Allele origin: germline.
Comment: Advanced modeling of protein sequence and biophysical properties (such as structural, functional, and spatial information, amino acid conservation, physicochemical variation, residue mobility, and thermodynamic stability) performed at Invitae indicates that this missense variant is expected to disrupt TGFB3 protein function. This missense change has been observed in individuals with thoracic aortic aneurysms and dissections (PMID: 25835445, 32897753). It has also been observed to segregate with disease in related individuals. This variant is not present in population databases (gnomAD no frequency). This sequence change replaces leucine, which is neutral and non-polar, with proline, which is neutral and non-polar, at codon 401 of the TGFB3 protein (p.Leu401Pro). In summary, the currently available evidence indicates that the variant is pathogenic, but additional data are needed to prove that conclusively. Therefore, this variant has been classified as Likely Pathogenic.

Literature cited by the submitters: PubMed 25835445; PubMed 32897753.

NM_003239.5(TGFB3):c.1202T>C (p.Leu401Pro)

Gene: TGFB3 (transforming growth factor beta 3; minus strand). Cytogenetic location: 14q24.3.
Variant type: single nucleotide variant.
Coding change: c.1202T>C on transcript NM_003239.5 (MANE Select); coding-DNA position 1202, T replaced by C.
Protein change: p.Leu401Pro; replaces leucine 401 with proline.
Molecular consequence: missense variant.
Genome position (GRCh38, 1-based): chr14:75,959,224, A>G on the plus strand (T>C on the coding strand, the complement: TGFB3 is on the minus strand). VCF-style: chr14-75959224-A-G. GRCh37 (hg19) VCF-style: chr14-76425567-A-G.
Other names: c.1202T>C, p.Leu401Pro (NM_001329939.2); short protein forms L401P.
Identifiers: ClinVar variation 2736130 (VCV002736130.3), dbSNP rs2504093512, ClinGen allele CA390466715.